The following is an entry in ClinVar:

ClinVar aggregate classification (germline): Uncertain significance (1 of 4 stars; one submission).

Submission:

Labcorp Genetics (formerly Invitae), Labcorp
Classification: Uncertain significance. Last evaluated: 2025-12-23. Review status: criteria provided, single submitter. Criteria: Invitae Variant Classification Sherloc (09022015). Collection method: clinical testing. Allele origin: germline.
Comment: This sequence change is expected to alter the c-terminus of the NFE2L2 protein (p.Ser597Argfs*14). While this is not anticipated to result in nonsense mediated decay, it is expected to disrupt the last 9 amino acid(s) of the NFE2L2 protein and extend the protein by 4 additional amino acid residues. This variant is present in population databases (rs748937667, gnomAD 0.001%). This variant has not been reported in the literature in individuals affected with NFE2L2-related conditions. Experimental studies and prediction algorithms are not available or were not evaluated, and the functional significance of this variant is currently unknown. In summary, the available evidence is currently insufficient to determine the role of this variant in disease. Therefore, it has been classified as a Variant of Uncertain Significance.

NM_006164.5(NFE2L2):c.1791_1794del (p.Ser597fs)

Gene: NFE2L2 (NFE2 like bZIP transcription factor 2; minus strand). Cytogenetic location: 2q31.2.
Variant type: Deletion.
Coding change: c.1791_1794del on transcript NM_006164.5 (MANE Select); coding-DNA positions 1791 to 1794, 4 bases deleted (TAAG; older notation c.1791_1794delTAAG).
Protein change: p.Ser597fs; shifts the reading frame from serine 597.
Molecular consequence: frameshift variant.
Genome position (GRCh38, 1-based): chr2:177,230,809-177,230,812, CTTA deleted on the plus strand (TAAG on the coding strand, the reverse complement: NFE2L2 is on the minus strand); deleting any 4 consecutive bases within chr2:177,230,809-177,230,815 gives the same sequence; the c. name uses the placement nearest the transcript's 3' end. VCF-style (leftmost placement, unchanged base first): chr2-177230808-TCTTA-T. GRCh37 (hg19) VCF-style: chr2-178095536-TCTTA-T.
Other names: c.1743_1746del, p.Ser581fs (NM_001145412.3, NM_001313900.1, NM_001313901.1); c.1722_1725del, p.Ser574fs (NM_001145413.3); c.1701_1704del, p.Ser567fs (NM_001313902.2); c.1572_1575del, p.Ser524fs (NM_001313903.2); c.1491_1494del, p.Ser497fs (NM_001313904.1); short protein forms S497fs, S524fs, S597fs, S567fs, S574fs, S581fs.
Identifiers: ClinVar variation 4699391 (VCV004699391.1).